The following is an entry in ClinVar:

NM_002386.4(MC1R):c.438C>T (p.Ile146=)

Gene: MC1R (melanocortin 1 receptor; plus strand). Cytogenetic location: 16q24.3.
Variant type: single nucleotide variant.
Coding change: c.438C>T on transcript NM_002386.4 (MANE Select); coding-DNA position 438, C replaced by T.
Protein change: p.Ile146=; no amino-acid change (isoleucine 146 retained).
Molecular consequence: synonymous variant.
Genome position (GRCh38, 1-based): chr16:89,919,696, C>T. VCF-style: chr16-89919696-C-T. GRCh37 (hg19) VCF-style: chr16-89986104-C-T.
Identifiers: ClinVar variation 2910377 (VCV002910377.3), dbSNP rs757840076, ClinGen allele CA497380696.

ClinVar aggregate classification (germline): Uncertain significance (1 of 4 stars; one submission).

Conditions:
Melanoma, cutaneous malignant, susceptibility to, 5. Also called: Cutaneous malignant melanoma 5. Identifiers: Orphanet 618, MedGen C2751295, MONDO:0013133, OMIM 613099.

Submission:

Labcorp Genetics (formerly Invitae), Labcorp
Classification: Uncertain significance for Melanoma, cutaneous malignant, susceptibility to, 5. Last evaluated: 2023-12-15. Review status: criteria provided, single submitter. Criteria: Invitae Variant Classification Sherloc (09022015). Collection method: clinical testing. Allele origin: germline.
Comment: This sequence change affects codon 146 of the MC1R mRNA. It is a 'silent' change, meaning that it does not change the encoded amino acid sequence of the MC1R protein. This variant is not present in population databases (gnomAD no frequency). This variant has been observed in individual(s) with melanoma (PMID: 23647022). Experimental studies and prediction algorithms are not available or were not evaluated, and the effect of this variant on mRNA splicing is currently unknown. In summary, the available evidence is currently insufficient to determine the role of this variant in disease. Therefore, it has been classified as a Variant of Uncertain Significance.

Literature cited by the submitters: PubMed 23647022.